The following is an entry in ClinVar:

ClinVar aggregate classification (germline): Uncertain significance (1 of 4 stars; one submission).

Allele frequency attached by ClinVar (database versions not stated): TOPMed below 0.00001.

Submission:

GeneDx
Classification: Uncertain significance. Last evaluated: 2025-09-11. Review status: criteria provided, single submitter. Criteria: GeneDx Variant Classification Process June 2021. Collection method: clinical testing. Allele origin: germline. Affected: yes.
Comment: Not observed at significant frequency in large population cohorts (gnomAD); In silico analysis suggests that this missense variant does not alter protein structure/function; Has not been previously published as pathogenic or benign to our knowledge

NM_000286.3(PEX12):c.398T>A (p.Leu133Gln)

Gene: PEX12 (peroxisomal biogenesis factor 12; minus strand). Cytogenetic location: 17q12.
Variant type: single nucleotide variant.
Coding change: c.398T>A on transcript NM_000286.3 (MANE Select); coding-DNA position 398, T replaced by A.
Protein change: p.Leu133Gln; replaces leucine 133 with glutamine.
Molecular consequence: missense variant.
Genome position (GRCh38, 1-based): chr17:35,577,320, A>T on the plus strand (T>A on the coding strand, the complement: PEX12 is on the minus strand). VCF-style: chr17-35577320-A-T. GRCh37 (hg19) VCF-style: chr17-33904339-A-T.
Other names: short protein forms L133Q.
Identifiers: ClinVar variation 1307129 (VCV001307129.3), dbSNP rs2072791648, ClinGen allele CA399138216.